The following is an entry in ClinVar:

NM_003998.4(NFKB1):c.884G>A (p.Trp295Ter)

Gene: NFKB1 (nuclear factor kappa B subunit 1; plus strand). Cytogenetic location: 4q24.
Variant type: single nucleotide variant.
Coding change: c.884G>A on transcript NM_003998.4 (MANE Select); coding-DNA position 884, G replaced by A.
Protein change: p.Trp295Ter; replaces tryptophan 295 with a stop codon.
Molecular consequence: nonsense.
Genome position (GRCh38, 1-based): chr4:102,582,914, G>A. VCF-style: chr4-102582914-G-A. GRCh37 (hg19) VCF-style: chr4-103504071-G-A.
Other names: c.881G>A, p.Trp294Ter (NM_001165412.2, NM_001319226.2, NM_001382627.1); c.884G>A, p.Trp295Ter (NM_001382625.1, NM_001382626.1); c.842G>A, p.Trp281Ter (NM_001382628.1); short protein forms W281*, W294*, W295*.
Identifiers: ClinVar variation 2034265 (VCV002034265.4), dbSNP rs2476435904, ClinGen allele CA357960604.

ClinVar aggregate classification (germline): Pathogenic (1 of 4 stars; one submission).

Submission:

Labcorp Genetics (formerly Invitae), Labcorp
Classification: Pathogenic. Last evaluated: 2023-08-14. Review status: criteria provided, single submitter. Criteria: Invitae Variant Classification Sherloc (09022015). Collection method: clinical testing. Allele origin: germline.
Comment: For these reasons, this variant has been classified as Pathogenic. ClinVar contains an entry for this variant (Variation ID: 2034265). This variant has not been reported in the literature in individuals affected with NFKB1-related conditions. This variant is not present in population databases (gnomAD no frequency). This sequence change creates a premature translational stop signal (p.Trp295*) in the NFKB1 gene. It is expected to result in an absent or disrupted protein product. Loss-of-function variants in NFKB1 are known to be pathogenic (PMID: 26279205, 29477724).

Literature cited by the submitters: PubMed 26279205; PubMed 29477724.